The following is an entry in ClinVar:

NM_003920.5(TIMELESS):c.3480G>A (p.Pro1160=)

Gene: TIMELESS (timeless circadian regulator; minus strand). Cytogenetic location: 12q13.3.
Variant type: single nucleotide variant.
Coding change: c.3480G>A on transcript NM_003920.5 (MANE Select); coding-DNA position 3480, G replaced by A.
Protein change: p.Pro1160=; no amino-acid change (proline 1160 retained).
Molecular consequence: synonymous variant. On other transcripts: non-coding transcript variant (1).
Genome position (GRCh38, 1-based): chr12:56,417,983, C>T on the plus strand (G>A on the coding strand, the complement: TIMELESS is on the minus strand). VCF-style: chr12-56417983-C-T. GRCh37 (hg19) VCF-style: chr12-56811767-C-T.
Other names: c.3477G>A, p.Pro1159= (NM_001330295.2).
Identifiers: ClinVar variation 3256974 (VCV003256974.17).
Genomic context (GRCh38, chr12:56,417,983, plus strand): 5'-ATCTTCTTCCTGTTCCTCGTCGCTGTCCAGCAATTGTCGTTTCTTGGGTGCTGCCTTCAG[C>T]GGCTCTTTACCAACAGCGTCTTCCTCTGCAATGACCATAAATGACACAAAATTAGGAACT-3'
Protein context (NP_003911.2, residues 1150-1170): PEEEDAVGKE[Pro1160=]LKAAPKKRQL

ClinVar aggregate classification (germline): Likely benign (1 of 4 stars; one submission).

gnomAD v4.1: 1,606 of 1,614,180 alleles (0.099%); highest among the groups gnomAD compares: Admixed American, 0.35%; 5 homozygotes.

Submission:

CeGaT Center for Human Genetics Tuebingen
Classification: Likely benign. Last evaluated: 2024-07-01. Review status: criteria provided, single submitter. Criteria: CeGaT Center For Human Genetics Tuebingen Variant Classification Criteria Version 2. Collection method: clinical testing. Allele origin: germline. Affected: yes. Observed: 1 variant allele.
Comment: TIMELESS: BP4, BP7